The following is an entry in ClinVar:

ClinVar aggregate classification (germline): Likely pathogenic (1 of 4 stars; one submission).

Conditions:
Inborn genetic diseases. Identifiers: MedGen C0950123, MeSH D030342.

Submission:

Ambry Genetics
Classification: Likely pathogenic for Inborn genetic diseases. Last evaluated: 2024-04-16. Review status: criteria provided, single submitter. Criteria: Ambry Variant Classification Scheme 2023. Collection method: clinical testing. Allele origin: germline.
Comment: The c.7703+1G>T intronic variant results from a G to T substitution one nucleotide after coding exon 19 of the PKD1 gene. Alterations that disrupt the canonical splice site are expected to cause aberrant splicing, resulting in an abnormal protein or a transcript that is subject to nonsense-mediated mRNA decay. This variant was not reported in population-based cohorts in the Genome Aggregation Database (gnomAD). This alteration has been reported in an individual with PKD1-related polycystic kidney disease (Garcia-Gonzalez, 2007). This nucleotide position is highly conserved in available vertebrate species. In silico splice site analysis predicts that this alteration will weaken the native splice donor site. Based on the available evidence, this alteration is classified as likely pathogenic.

Literature cited by the submitters: PubMed 17574468.

NM_001009944.3(PKD1):c.7703+1G>T

Gene: PKD1 (polycystin 1, transient receptor potential channel interacting; minus strand). Cytogenetic location: 16p13.3.
Variant type: single nucleotide variant.
Coding change: c.7703+1G>T on transcript NM_001009944.3 (MANE Select); the canonical splice donor site of the intron after coding-DNA position 7703, G replaced by T.
Molecular consequence: splice donor variant.
Genome position (GRCh38, 1-based): chr16:2,106,090, C>A on the plus strand (G>T on the coding strand, the complement: PKD1 is on the minus strand). VCF-style: chr16-2106090-C-A. GRCh37 (hg19) VCF-style: chr16-2156091-C-A.
Other names: c.7703+1G>T (NM_000296.4).
Identifiers: ClinVar variation 3306824 (VCV003306824.1).